The following is an entry in ClinVar:

ClinVar aggregate classification (germline): Uncertain significance (1 of 4 stars; one submission).

Allele frequency attached by ClinVar (database versions not stated): gnomAD exomes below 0.00001; TOPMed below 0.00001.
gnomAD v4.1: 7 of 1,614,210 alleles (0.00043%); highest among the groups gnomAD compares: Non-Finnish European, 0.00059%; no homozygotes.

Submission:

Labcorp Genetics (formerly Invitae), Labcorp
Classification: Uncertain significance. Last evaluated: 2023-02-05. Review status: criteria provided, single submitter. Criteria: Invitae Variant Classification Sherloc (09022015). Collection method: clinical testing. Allele origin: germline.
Comment: In summary, the available evidence is currently insufficient to determine the role of this variant in disease. Therefore, it has been classified as a Variant of Uncertain Significance. Advanced modeling of protein sequence and biophysical properties (such as structural, functional, and spatial information, amino acid conservation, physicochemical variation, residue mobility, and thermodynamic stability) performed at Invitae indicates that this missense variant is not expected to disrupt ARID1A protein function. This variant has not been reported in the literature in individuals affected with ARID1A-related conditions. This variant is not present in population databases (gnomAD no frequency). This sequence change replaces methionine, which is neutral and non-polar, with valine, which is neutral and non-polar, at codon 954 of the ARID1A protein (p.Met954Val).

NM_006015.6(ARID1A):c.2860A>G (p.Met954Val)

Gene: ARID1A (AT-rich interaction domain 1A; plus strand). Cytogenetic location: 1p36.11.
Variant type: single nucleotide variant.
Coding change: c.2860A>G on transcript NM_006015.6 (MANE Select); coding-DNA position 2860, A replaced by G.
Protein change: p.Met954Val; replaces methionine 954 with valine.
Molecular consequence: missense variant.
Genome position (GRCh38, 1-based): chr1:26,766,348, A>G. VCF-style: chr1-26766348-A-G. GRCh37 (hg19) VCF-style: chr1-27092839-A-G.
Other names: c.2860A>G, p.Met954Val (NM_139135.4); short protein forms M954V.
Identifiers: ClinVar variation 2973051 (VCV002973051.3), dbSNP rs2081039299, ClinGen allele CA339160829.